The following is an entry in ClinVar:

ClinVar aggregate classification (germline): Uncertain significance (1 of 4 stars; one submission).

gnomAD v4.1: 1 of 1,591,206 alleles (0.000063%); highest among the groups gnomAD compares: South Asian, 0.0011%; no homozygotes.

Submission:

Labcorp Genetics (formerly Invitae), Labcorp
Classification: Uncertain significance. Last evaluated: 2022-12-31. Review status: criteria provided, single submitter. Criteria: Invitae Variant Classification Sherloc (09022015). Collection method: clinical testing. Allele origin: germline.
Comment: In summary, the available evidence is currently insufficient to determine the role of this variant in disease. Therefore, it has been classified as a Variant of Uncertain Significance. Advanced modeling of protein sequence and biophysical properties (such as structural, functional, and spatial information, amino acid conservation, physicochemical variation, residue mobility, and thermodynamic stability) performed at Invitae indicates that this missense variant is not expected to disrupt CACNA1G protein function. This variant has not been reported in the literature in individuals affected with CACNA1G-related conditions. This variant is not present in population databases (gnomAD no frequency). This sequence change replaces leucine, which is neutral and non-polar, with phenylalanine, which is neutral and non-polar, at codon 622 of the CACNA1G protein (p.Leu622Phe).

NM_018896.5(CACNA1G):c.1864C>T (p.Leu622Phe)

Gene: CACNA1G (calcium voltage-gated channel subunit alpha1 G; plus strand). Cytogenetic location: 17q21.33.
Variant type: single nucleotide variant.
Coding change: c.1864C>T on transcript NM_018896.5 (MANE Select); coding-DNA position 1864, C replaced by T.
Protein change: p.Leu622Phe; replaces leucine 622 with phenylalanine.
Molecular consequence: missense variant. On other transcripts: non-coding transcript variant (5).
Genome position (GRCh38, 1-based): chr17:50,576,266, C>T. VCF-style: chr17-50576266-C-T. GRCh37 (hg19) VCF-style: chr17-48653627-C-T.
Other names: c.1864C>T, p.Leu622Phe (NM_001256324.2, NM_001256325.2, NM_001256326.2 and 24 more transcripts); short protein forms L622F.
Identifiers: ClinVar variation 2979601 (VCV002979601.3), dbSNP rs2544876742, ClinGen allele CA400239966.